The following is an entry in ClinVar:

NM_001366385.1(CARD14):c.922C>T (p.Leu308=)

Gene: CARD14 (caspase recruitment domain family member 14; plus strand). Cytogenetic location: 17q25.3.
Variant type: single nucleotide variant.
Coding change: c.922C>T on transcript NM_001366385.1 (MANE Select); coding-DNA position 922, C replaced by T.
Protein change: p.Leu308=; no amino-acid change (leucine 308 retained).
Molecular consequence: synonymous variant. On other transcripts: non-coding transcript variant (1).
Genome position (GRCh38, 1-based): chr17:80,189,831, C>T. VCF-style: chr17-80189831-C-T. GRCh37 (hg19) VCF-style: chr17-78163630-C-T.
Other names: c.922C>T, p.Leu308= (NM_001257970.1, NM_024110.4); c.211C>T, p.Leu71= (NM_052819.3).
Identifiers: ClinVar variation 1164360 (VCV001164360.34), dbSNP rs537507973, ClinGen allele CA8816573.
Genomic context (GRCh38, chr17:80,189,831, plus strand): 5'-GAGCAGAGCCTGGACGAGGCGCGGGGGAGCCGACAGGAGCTGGTGGAGCGCATCCACTCG[C>T]TGCGGGAGCGGGCCGTGGCTGCCGAGAGGCAGCGAGAGCAGGTGCCGTGTGAGCCCTTCC-3'
Protein context (NP_001353314.1, residues 298-318): RQELVERIHS[Leu308=]RERAVAAERQ

ClinVar aggregate classification (germline): Benign/Likely benign. Review status: criteria provided, multiple submitters, no conflicts (2 of 4 stars). 3 submissions from 3 submitters: Benign (1); Likely benign (2). Last evaluated 2025-12-23.

Conditions:
Autoinflammatory syndrome. Identifiers: Orphanet 93665, MedGen C3890737, MONDO:0019751.
Psoriasis 2. Identifiers: MedGen C1864497, MONDO:0011269, OMIM 602723.
Pityriasis rubra pilaris (PRP). Also called: Pityriasis rubra pilaris--familial type. Identifiers: Orphanet 2897, MedGen C0032027, MONDO:0100017, OMIM 173200, MONDO:0008251.

Allele frequency attached by ClinVar (database versions not stated): gnomAD 0.00001 and 0.00018; TOPMed 0.00002; gnomAD exomes 0.00034 and 0.00069; 1000 Genomes Project 30x 0.00094; ExAC 0.00094; 1000 Genomes Project 0.00100.
gnomAD v4.1: 523 of 1,589,212 alleles (0.033%); highest among the groups gnomAD compares: South Asian, 0.55%; 6 homozygotes.

Submissions (3):

Labcorp Genetics (formerly Invitae), Labcorp
Classification: Benign for Pityriasis rubra pilaris; Psoriasis 2. Last evaluated: 2025-12-23. Review status: criteria provided, single submitter. Criteria: Invitae Variant Classification Sherloc (09022015). Collection method: clinical testing. Allele origin: germline.

CeGaT Center for Human Genetics Tuebingen
Classification: Likely benign. Last evaluated: 2024-01-01. Review status: criteria provided, single submitter. Criteria: CeGaT Center For Human Genetics Tuebingen Variant Classification Criteria Version 2. Collection method: clinical testing. Allele origin: germline. Affected: yes. Observed: 1 variant allele.
Comment: CARD14: BP4, BS2

Genome Diagnostics Laboratory, The Hospital for Sick Children
Classification: Likely benign for Autoinflammatory syndrome. Last evaluated: 2020-09-23. Review status: criteria provided, single submitter. Criteria: ACMG Guidelines, 2015. Collection method: clinical testing. Allele origin: germline. Affected: yes.